The following is an entry in ClinVar:

NM_004360.5(CDH1):c.1390G>A (p.Val464Ile)

Gene: CDH1 (cadherin 1; plus strand). Cytogenetic location: 16q22.1.
Variant type: single nucleotide variant.
Coding change: c.1390G>A on transcript NM_004360.5 (MANE Select); coding-DNA position 1390, G replaced by A.
Protein change: p.Val464Ile; replaces valine 464 with isoleucine.
Molecular consequence: missense variant. On other transcripts: 5 prime UTR variant (2).
Genome position (GRCh38, 1-based): chr16:68,815,584, G>A. VCF-style: chr16-68815584-G-A. GRCh37 (hg19) VCF-style: chr16-68849487-G-A.
Other names: c.1390G>A (LRG_301t1); c.1207G>A, p.Val403Ile (NM_001317184.2); c.-159G>A (NM_001317185.2); c.-430G>A (NM_001317186.2); short protein forms V403I, V464I.
Identifiers: ClinVar variation 654158 (VCV000654158.10), dbSNP rs1597897887, ClinGen allele CA396462876.

ClinVar aggregate classification (germline): Uncertain significance. Review status: criteria provided, multiple submitters, no conflicts (2 of 4 stars). 2 submissions from 2 submitters: Uncertain significance (2). Last evaluated 2026-08-29.

Conditions:
Hereditary cancer-predisposing syndrome. Also called: Neoplastic Syndromes, Hereditary; Hereditary Cancer Syndrome; Hereditary neoplastic syndrome; Tumor predisposition. Identifiers: Orphanet 140162, MedGen C0027672, MeSH D009386, MONDO:0015356.
Hereditary diffuse gastric adenocarcinoma (HDGC). Also called: DIFFUSE GASTRIC AND LOBULAR BREAST CANCER SYNDROME. Identifiers: Orphanet 26106, MedGen C1708349, MONDO:0007648, OMIM 137215.

Submissions (2):

Ambry Genetics
Classification: Uncertain significance for Hereditary cancer-predisposing syndrome. Last evaluated: 2026-08-29. Review status: criteria provided, single submitter. Criteria: Ambry Variant Classification Scheme 2023. Collection method: clinical testing. Allele origin: germline.
Comment: The p.V464I variant (also known as c.1390G>A), located in coding exon 10 of the CDH1 gene, results from a G to A substitution at nucleotide position 1390. The valine at codon 464 is replaced by isoleucine, an amino acid with highly similar properties. This amino acid position is conserved. In addition, this alteration is predicted to be tolerated by in silico analysis. Based on the available evidence, the clinical significance of this variant remains unclear.

Labcorp Genetics (formerly Invitae), Labcorp
Classification: Uncertain significance for Hereditary diffuse gastric adenocarcinoma. Last evaluated: 2020-05-25. Review status: criteria provided, single submitter. Criteria: Invitae Variant Classification Sherloc (09022015). Collection method: clinical testing. Allele origin: germline.
Comment: This variant is not present in population databases (ExAC no frequency). This variant has not been reported in the literature in individuals with CDH1-related disease. Algorithms developed to predict the effect of missense changes on protein structure and function (SIFT, PolyPhen-2, Align-GVGD) all suggest that this variant is likely to be tolerated, but these predictions have not been confirmed by published functional studies and their clinical significance is uncertain. In summary, the available evidence is currently insufficient to determine the role of this variant in disease. Therefore, it has been classified as a Variant of Uncertain Significance. This sequence change replaces valine with isoleucine at codon 464 of the CDH1 protein (p.Val464Ile). The valine residue is moderately conserved and there is a small physicochemical difference between valine and isoleucine.